The following is an entry in ClinVar:

ClinVar aggregate classification (germline): Likely benign (1 of 4 stars; one submission).

Submission:

GeneDx
Classification: Likely benign. Last evaluated: 2016-08-31. Review status: criteria provided, single submitter. Criteria: GeneDx Variant Classification (06012015). Collection method: clinical testing. Allele origin: germline. Affected: yes.
Comment: This variant is considered likely benign or benign based on one or more of the following criteria: it is a conservative change, it occurs at a poorly conserved position in the protein, it is predicted to be benign by multiple in silico algorithms, and/or has population frequency not consistent with disease.

NM_001330078.2(NRXN1):c.1338T>C (p.Asn446=)

Gene: NRXN1 (neurexin 1; minus strand). Cytogenetic location: 2p16.3.
Variant type: single nucleotide variant.
Coding change: c.1338T>C on transcript NM_001330078.2 (MANE Select); coding-DNA position 1338, T replaced by C.
Protein change: p.Asn446=; no amino-acid change (asparagine 446 retained).
Molecular consequence: synonymous variant.
Genome position (GRCh38, 1-based): chr2:50,553,008, A>G on the plus strand (T>C on the coding strand, the complement: NRXN1 is on the minus strand). VCF-style: chr2-50553008-A-G. GRCh37 (hg19) VCF-style: chr2-50780146-A-G.
Other names: c.1458T>C, p.Asn486= (NM_001135659.3); c.1314T>C, p.Asn438= (NM_001330077.2, NM_001330082.2, NM_001330095.2); c.1299T>C, p.Asn433= (NM_001330083.2, NM_001330084.2); c.1338T>C, p.Asn446= (NM_001330085.2, NM_001330086.2, NM_004801.6); c.1254T>C, p.Asn418= (NM_001330087.2, NM_001330096.2); c.1284T>C, p.Asn428= (NM_001330088.2); c.1335T>C, p.Asn445= (NM_001330093.2); c.1326T>C, p.Asn442= (NM_001330094.2).
Identifiers: ClinVar variation 388867 (VCV000388867.1), dbSNP rs1057523256, ClinGen allele CA16604361.
Genomic context (GRCh38, chr2:50,553,008, plus strand): 5'-ATGGATCTTCATCTTAGGATCTCCTTGCTTGGCAAGTCGAGATAATTCCAGCCTCACATC[A>G]TTATTTTTATATACAACCTGTGGGCAGAGGATAGCAGTGAGAAACTAGCCTCCATATTTT-3'
Protein context (NP_001317007.1, residues 436-456): GCLKEVVYKN[Asn446=]DVRLELSRLA